The following is an entry in ClinVar:

ClinVar aggregate classification (germline): Uncertain significance. Review status: criteria provided, multiple submitters, no conflicts (2 of 4 stars). 2 submissions from 2 submitters: Uncertain significance (2). Last evaluated 2025-06-29.

Conditions:
Inborn genetic diseases. Identifiers: MedGen C0950123, MeSH D030342.
Hereditary spastic paraplegia 48. Also called: SPASTIC PARAPLEGIA 48, AUTOSOMAL RECESSIVE; Spastic paraplegia 48. Identifiers: Orphanet 306511, MedGen C3150901, MONDO:0013342, OMIM 613647.

Allele frequency attached by ClinVar (database versions not stated): TOPMed 0.00001; ExAC 0.00003.

Submissions (2):

Ambry Genetics
Classification: Uncertain significance for Inborn genetic diseases. Last evaluated: 2025-06-29. Review status: criteria provided, single submitter. Criteria: Ambry Variant Classification Scheme 2023. Collection method: clinical testing. Allele origin: germline.

Labcorp Genetics (formerly Invitae), Labcorp
Classification: Uncertain significance for Hereditary spastic paraplegia 48. Last evaluated: 2021-10-19. Review status: criteria provided, single submitter. Criteria: Invitae Variant Classification Sherloc (09022015). Collection method: clinical testing. Allele origin: germline.
Comment: In summary, the available evidence is currently insufficient to determine the role of this variant in disease. Therefore, it has been classified as a Variant of Uncertain Significance. Algorithms developed to predict the effect of missense changes on protein structure and function (SIFT, PolyPhen-2, Align-GVGD) all suggest that this variant is likely to be disruptive. This variant has not been reported in the literature in individuals affected with AP5Z1-related conditions. This variant is present in population databases (rs768288736, ExAC 0.03%). This sequence change replaces arginine with tryptophan at codon 247 of the AP5Z1 protein (p.Arg247Trp). The arginine residue is highly conserved and there is a moderate physicochemical difference between arginine and tryptophan.

NM_014855.3(AP5Z1):c.739C>T (p.Arg247Trp)

Gene: AP5Z1 (adaptor related protein complex 5 subunit zeta 1; plus strand). Cytogenetic location: 7p22.1.
Variant type: single nucleotide variant.
Coding change: c.739C>T on transcript NM_014855.3 (MANE Select); coding-DNA position 739, C replaced by T.
Protein change: p.Arg247Trp; replaces arginine 247 with tryptophan.
Molecular consequence: missense variant. On other transcripts: non-coding transcript variant (1).
Genome position (GRCh38, 1-based): chr7:4,784,320, C>T. VCF-style: chr7-4784320-C-T. GRCh37 (hg19) VCF-style: chr7-4823951-C-T.
Other names: c.271C>T, p.Arg91Trp (NM_001364858.1); c.739C>T (NM_014855.2); short protein forms R91W, R247W.
Identifiers: ClinVar variation 1515644 (VCV001515644.7), dbSNP rs768288736, ClinGen allele CA4137339.
Genomic context (GRCh38, chr7:4,784,320, plus strand): 5'-TCCAGCGGCCACCGCTTCACAGACGACCAGTGGCTGAACGTGCAGGCCTTCTCTATGCTG[C>T]GGGCGTGGCTGCTGCACAGCGGCCCCGAGGGCCCGGGCACCCTGGACACAGGTGTGCGGG-3'
Protein context (NP_055670.1, residues 237-257): WLNVQAFSML[Arg247Trp]AWLLHSGPEG